The following is an entry in ClinVar:

NM_001040108.2(MLH3):c.4047G>A (p.Leu1349=)

Gene: MLH3 (mutL homolog 3; minus strand). Cytogenetic location: 14q24.3.
Variant type: single nucleotide variant.
Coding change: c.4047G>A on transcript NM_001040108.2 (MANE Select); coding-DNA position 4047, G replaced by A.
Protein change: p.Leu1349=; no amino-acid change (leucine 1349 retained).
Molecular consequence: synonymous variant.
Genome position (GRCh38, 1-based): chr14:75,022,857, C>T on the plus strand (G>A on the coding strand, the complement: MLH3 is on the minus strand). VCF-style: chr14-75022857-C-T. GRCh37 (hg19) VCF-style: chr14-75489560-C-T.
Other names: c.3975G>A, p.Leu1325= (NM_014381.3).
Identifiers: ClinVar variation 1737326 (VCV001737326.3), dbSNP rs1364672972, ClinGen allele CA487175421.

ClinVar aggregate classification (germline): Benign/Likely benign. Review status: criteria provided, multiple submitters, no conflicts (2 of 4 stars). 2 submissions from 2 submitters: Benign (1); Likely benign (1). Last evaluated 2026-05-06.

Conditions:
Colorectal cancer, hereditary nonpolyposis, type 7. Identifiers: Orphanet 144, MedGen C1858380, MONDO:0013725, OMIM 614385.

Allele frequency attached by ClinVar (database versions not stated): gnomAD exomes below 0.00001; TOPMed below 0.00001.
gnomAD v4.1: 2 of 1,614,130 alleles (0.00012%); highest among the groups gnomAD compares: Admixed American, 0.0017%; no homozygotes.

Submissions (2):

Myriad Genetics, Inc.
Classification: Benign for Colorectal cancer, hereditary nonpolyposis, type 7. Last evaluated: 2026-05-06. Review status: criteria provided, single submitter. Criteria: Myriad Autosomal Dominant, Autosomal Recessive and X-Linked Classification Criteria (2023). Collection method: clinical testing. Allele origin: unknown.
Comment: This variant is considered benign. This variant is a silent/synonymous amino acid change and it is not expected to impact splicing.

Ambry Genetics
Classification: Likely benign. Last evaluated: 2022-09-21. Review status: criteria provided, single submitter. Criteria: Ambry Variant Classification Scheme 2023. Collection method: clinical testing. Allele origin: germline.